The following is an entry in ClinVar:

ClinVar aggregate classification (germline): Uncertain significance (0 of 4 stars; one submission).

Conditions:
PLXNA2-related disorder. Also called: PLXNA2-related condition.

gnomAD v4.1: 14 of 1,594,582 alleles (0.00088%); highest among the groups gnomAD compares: Admixed American, 0.01%; no homozygotes.

Submission:

PreventionGenetics, part of Exact Sciences
Classification: Uncertain significance for PLXNA2-related condition. Last evaluated: 2024-08-19. Review status: no assertion criteria provided. Collection method: clinical testing. Allele origin: germline.
Comment: The PLXNA2 c.2409G>C variant is predicted to result in the amino acid substitution p.Lys803Asn. To our knowledge, this variant has not been reported in the literature. This variant is reported in 0.018% of alleles in individuals of Latino descent in gnomAD. At this time, the clinical significance of this variant is uncertain due to the absence of conclusive functional and genetic evidence.

NM_025179.4(PLXNA2):c.2409G>C (p.Lys803Asn)

Gene: PLXNA2 (plexin A2; minus strand). Cytogenetic location: 1q32.2.
Variant type: single nucleotide variant.
Coding change: c.2409G>C on transcript NM_025179.4 (MANE Select); coding-DNA position 2409, G replaced by C.
Protein change: p.Lys803Asn; replaces lysine 803 with asparagine.
Molecular consequence: missense variant.
Genome position (GRCh38, 1-based): chr1:208,079,437, C>G on the plus strand (G>C on the coding strand, the complement: PLXNA2 is on the minus strand). VCF-style: chr1-208079437-C-G. GRCh37 (hg19) VCF-style: chr1-208252782-C-G.
Other names: short protein forms K803N.
Identifiers: ClinVar variation 3357554 (VCV003357554.1).